The following is an entry in ClinVar:

NM_006087.4(TUBB4A):c.769A>G (p.Met257Val)

Gene: TUBB4A (tubulin beta 4A class IVa; minus strand). Cytogenetic location: 19p13.3.
Variant type: single nucleotide variant.
Coding change: c.769A>G on transcript NM_006087.4 (MANE Select); coding-DNA position 769, A replaced by G.
Protein change: p.Met257Val; replaces methionine 257 with valine.
Molecular consequence: missense variant.
Genome position (GRCh38, 1-based): chr19:6,495,730, T>C on the plus strand (A>G on the coding strand, the complement: TUBB4A is on the minus strand). VCF-style: chr19-6495730-T-C. GRCh37 (hg19) VCF-style: chr19-6495741-T-C.
Other names: c.922A>G, p.Met308Val (NM_001289123.2); c.904A>G, p.Met302Val (NM_001289127.2); c.769A>G, p.Met257Val (NM_001289129.2); c.553A>G, p.Met185Val (NM_001289130.2, NM_001289131.2); short protein forms M185V, M257V, M302V, M308V.
Identifiers: ClinVar variation 1059099 (VCV001059099.9), dbSNP rs1555754019, ClinGen allele CA403591092.

ClinVar aggregate classification (germline): Uncertain significance (1 of 4 stars; one submission).

Conditions:
Leukodystrophy, hypomyelinating, 6. Also called: LEUKODYSTROPHY, HYPOMYELINATING, WITH ATROPHY OF THE BASAL GANGLIA AND CEREBELLUM; TUBB4A-Associated Leukodystrophy; Hypomyelination with Atrophy of Basal Ganglia and Cerebellum (H-ABC). Identifiers: Orphanet 139441, MedGen C2676244, MONDO:0012905, OMIM 612438.

Submission:

Labcorp Genetics (formerly Invitae), Labcorp
Classification: Uncertain significance for Leukodystrophy, hypomyelinating, 6. Last evaluated: 2022-03-22. Review status: criteria provided, single submitter. Criteria: Invitae Variant Classification Sherloc (09022015). Collection method: clinical testing. Allele origin: germline.
Comment: In summary, the available evidence is currently insufficient to determine the role of this variant in disease. Therefore, it has been classified as a Variant of Uncertain Significance. Algorithms developed to predict the effect of missense changes on protein structure and function are either unavailable or do not agree on the potential impact of this missense change (SIFT: "Tolerated"; PolyPhen-2: "Probably Damaging"; Align-GVGD: "Class C0"). ClinVar contains an entry for this variant (Variation ID: 1059099). This variant has not been reported in the literature in individuals affected with TUBB4A-related conditions. This variant is not present in population databases (gnomAD no frequency). This sequence change replaces methionine, which is neutral and non-polar, with valine, which is neutral and non-polar, at codon 257 of the TUBB4A protein (p.Met257Val).